The following is an entry in ClinVar:

ClinVar aggregate classification (germline): Uncertain significance (1 of 4 stars; one submission).

Conditions:
Chédiak-Higashi syndrome (CHS). Also called: Chediak-Higashi Syndrome. Identifiers: Orphanet 167, MedGen C0007965, MONDO:0008963, OMIM 214500.

Allele frequency attached by ClinVar (database versions not stated): gnomAD exomes below 0.00001.
gnomAD v4.1: 7 of 1,613,974 alleles (0.00043%); highest among the groups gnomAD compares: South Asian, 0.0022%; no homozygotes.

Submission:

Labcorp Genetics (formerly Invitae), Labcorp
Classification: Uncertain significance for Chédiak-Higashi syndrome. Last evaluated: 2022-03-27. Review status: criteria provided, single submitter. Criteria: Invitae Variant Classification Sherloc (09022015). Collection method: clinical testing. Allele origin: germline.
Comment: In summary, the available evidence is currently insufficient to determine the role of this variant in disease. Therefore, it has been classified as a Variant of Uncertain Significance. Algorithms developed to predict the effect of missense changes on protein structure and function are either unavailable or do not agree on the potential impact of this missense change (SIFT: "Tolerated"; PolyPhen-2: "Probably Damaging"; Align-GVGD: "Class C0"). This variant has not been reported in the literature in individuals affected with LYST-related conditions. This variant is not present in population databases (gnomAD no frequency). This sequence change replaces arginine, which is basic and polar, with glutamine, which is neutral and polar, at codon 3780 of the LYST protein (p.Arg3780Gln).

NM_000081.4(LYST):c.11339G>A (p.Arg3780Gln)

Gene: LYST (lysosomal trafficking regulator; minus strand). Cytogenetic location: 1q42.3.
Variant type: single nucleotide variant.
Coding change: c.11339G>A on transcript NM_000081.4 (MANE Select); coding-DNA position 11339, G replaced by A.
Protein change: p.Arg3780Gln; replaces arginine 3780 with glutamine.
Molecular consequence: missense variant.
Genome position (GRCh38, 1-based): chr1:235,663,007, C>T on the plus strand (G>A on the coding strand, the complement: LYST is on the minus strand). VCF-style: chr1-235663007-C-T. GRCh37 (hg19) VCF-style: chr1-235826307-C-T.
Other names: c.11339G>A, p.Arg3780Gln (NM_001301365.1); short protein forms R3780Q.
Identifiers: ClinVar variation 2188609 (VCV002188609.4), dbSNP rs2527065562, ClinGen allele CA344984122.